The following is an entry in ClinVar:

NM_002608.4(PDGFB):c.658A>C (p.Lys220Gln)

Gene: PDGFB (platelet derived growth factor subunit B; minus strand). Cytogenetic location: 22q13.1.
Variant type: single nucleotide variant.
Coding change: c.658A>C on transcript NM_002608.4 (MANE Select); coding-DNA position 658, A replaced by C.
Protein change: p.Lys220Gln; replaces lysine 220 with glutamine.
Molecular consequence: missense variant.
Genome position (GRCh38, 1-based): chr22:39,225,791, T>G on the plus strand (A>C on the coding strand, the complement: PDGFB is on the minus strand). VCF-style: chr22-39225791-T-G. GRCh37 (hg19) VCF-style: chr22-39621796-T-G.
Other names: c.613A>C, p.Lys205Gln (NM_033016.3); short protein forms K205Q, K220Q.
Identifiers: ClinVar variation 3369118 (VCV003369118.1).
Genomic context (GRCh38, chr22:39,225,791, plus strand): 5'-CAAGGGTCTCCTTCAGTGCCGTCTTGTCATGCGTGTGCTTGAATTTCCGGTGCTTGCCCT[T>G]GGGGGGCCGGCGGACTCGCACCGTCCGAATGGTCACCCGAGTTTGGGGCGTTTTGGCTGC-3'
Protein context (NP_002599.1, residues 210-230): IRTVRVRRPP[Lys220Gln]GKHRKFKHTH

ClinVar aggregate classification (germline): Uncertain significance (1 of 4 stars; one submission).

gnomAD v4.1: 2 of 1,614,144 alleles (0.00012%); highest among the groups gnomAD compares: Non-Finnish European, 0.00017%; no homozygotes.

Submission:

GeneDx
Classification: Uncertain significance. Last evaluated: 2024-02-14. Review status: criteria provided, single submitter. Criteria: GeneDx Variant Classification Process June 2021. Collection method: clinical testing. Allele origin: germline. Affected: yes.
Comment: Not observed at significant frequency in large population cohorts (gnomAD); In silico analysis supports that this missense variant does not alter protein structure/function; Has not been previously published as pathogenic or benign to our knowledge